The following is an entry in ClinVar:

NM_017986.4(SLC52A1):c.733A>G (p.Lys245Glu)

Gene: SLC52A1 (solute carrier family 52 member 1; minus strand). Cytogenetic location: 17p13.2.
Variant type: single nucleotide variant.
Coding change: c.733A>G on transcript NM_017986.4 (MANE Select); coding-DNA position 733, A replaced by G.
Protein change: p.Lys245Glu; replaces lysine 245 with glutamic acid.
Molecular consequence: missense variant.
Genome position (GRCh38, 1-based): chr17:5,033,756, T>C on the plus strand (A>G on the coding strand, the complement: SLC52A1 is on the minus strand). VCF-style: chr17-5033756-T-C. GRCh37 (hg19) VCF-style: chr17-4937051-T-C.
Other names: c.733A>G, p.Lys245Glu (NM_001104577.2); short protein forms K245E.
Identifiers: ClinVar variation 2398186 (VCV002398186.6), dbSNP rs369106349, ClinGen allele CA8319722.

ClinVar aggregate classification (germline): Uncertain significance. Review status: criteria provided, multiple submitters, no conflicts (2 of 4 stars). 2 submissions from 2 submitters: Uncertain significance (2). Last evaluated 2025-07-15.

Conditions:
Vitamin B2 deficiency. Identifiers: MedGen C0035528.

Allele frequency attached by ClinVar (database versions not stated): gnomAD 0.00003; TOPMed 0.00004; ExAC 0.00007; ESP Exome Variant Server 0.00008.

Submissions (2):

Ambry Genetics
Classification: Uncertain significance. Last evaluated: 2025-07-15. Review status: criteria provided, single submitter. Criteria: Ambry Variant Classification Scheme 2023. Collection method: clinical testing. Allele origin: germline.

Labcorp Genetics (formerly Invitae), Labcorp
Classification: Uncertain significance for Vitamin B2 deficiency. Last evaluated: 2024-01-25. Review status: criteria provided, single submitter. Criteria: Invitae Variant Classification Sherloc (09022015). Collection method: clinical testing. Allele origin: germline.
Comment: This sequence change replaces lysine, which is basic and polar, with glutamic acid, which is acidic and polar, at codon 245 of the SLC52A1 protein (p.Lys245Glu). This variant is present in population databases (rs369106349, gnomAD 0.01%). This variant has not been reported in the literature in individuals affected with SLC52A1-related conditions. ClinVar contains an entry for this variant (Variation ID: 2398186). An algorithm developed to predict the effect of missense changes on protein structure and function (PolyPhen-2) suggests that this variant is likely to be tolerated. In summary, the available evidence is currently insufficient to determine the role of this variant in disease. Therefore, it has been classified as a Variant of Uncertain Significance.